The following is an entry in ClinVar:

ClinVar aggregate classification (germline): Uncertain significance. Review status: criteria provided, multiple submitters, no conflicts (2 of 4 stars). 3 submissions from 3 submitters: Uncertain significance (3). Last evaluated 2025-07-29.

Conditions:
Renal carnitine transport defect (CDSP). Also called: Carnitine transporter deficiency; Systemic primary carnitine deficiency disease; Primary carnitine deficiency; CARNITINE DEFICIENCY, SYSTEMIC, DUE TO DEFECT IN RENAL REABSORPTION OF CARNITINE; CARNITINE TRANSPORTER, PLASMA-MEMBRANE, DEFICIENCY OF; CARNITINE UPTAKE DEFECT. Identifiers: Orphanet 158, MedGen C0342788, MONDO:0008919, OMIM 212140.

gnomAD v4.1: 1 of 1,614,246 alleles (0.000062%); highest among the groups gnomAD compares: Non-Finnish European, 0.000085%; no homozygotes.

Submissions (3):

Labcorp Genetics (formerly Invitae), Labcorp
Classification: Uncertain significance for Renal carnitine transport defect. Last evaluated: 2025-07-29. Review status: criteria provided, single submitter. Criteria: Invitae Variant Classification Sherloc (09022015). Collection method: clinical testing. Allele origin: germline.
Comment: This sequence change replaces phenylalanine, which is neutral and non-polar, with leucine, which is neutral and non-polar, at codon 149 of the SLC22A5 protein (p.Phe149Leu). This variant is not present in population databases (gnomAD no frequency). This missense change has been observed in individual(s) with clinical features of SLC22A5-related conditions (PMID: 28711408, 32778825; internal data). ClinVar contains an entry for this variant (Variation ID: 581072). Invitae Evidence Modeling of protein sequence and biophysical properties (such as structural, functional, and spatial information, amino acid conservation, physicochemical variation, residue mobility, and thermodynamic stability) has been performed for this missense variant. However, the output from this modeling did not meet the statistical confidence thresholds required to predict the impact of this variant on SLC22A5 protein function. In summary, the available evidence is currently insufficient to determine the role of this variant in disease. Therefore, it has been classified as a Variant of Uncertain Significance.

Department of Genetics of Metabolic Diseases, Institute of Medical & Molecular Genetics, Hospital Universitario Hospital La Paz
Classification: Uncertain significance for Renal carnitine transport defect. Last evaluated: 2024-09-01. Review status: criteria provided, single submitter. Criteria: ACMG Guidelines, 2015. Collection method: clinical testing. Allele origin: germline. Inheritance: Autosomal recessive inheritance. Affected: yes.
Comment: The variant NM_003060.3:c.447C>G p.(Phe149Leu) in SLC22A5 is absent from controls in population databases and computational prediction tools support a deleterious effect on the gene. This variant has been observed in two newborns with abnormal levels of free carnitine at NBS consistent with primary carnitine deficiency, carrying this variant along with a second likely pathogenic variant, without confirmation of phasing (PMID: 28711408, Hidalgo Mayoral I et al., in press).

Women's Health and Genetics/Laboratory Corporation of America, LabCorp
Classification: Uncertain significance. Last evaluated: 2024-07-09. Review status: criteria provided, single submitter. Criteria: LabCorp Variant Classification Summary - May 2015. Collection method: clinical testing. Allele origin: germline.
Comment: Variant summary: SLC22A5 c.447C>G (p.Phe149Leu) results in a non-conservative amino acid change located in the Major facilitator superfamily domain (IPR020846) of the encoded protein sequence. Three of five in-silico tools predict a damaging effect of the variant on protein function. The variant was absent in 251496 control chromosomes. The available data on variant occurrences in the general population are insufficient to allow any conclusion about variant significance. c.447C>G has been reported in the literature in at-least one individual affected with Systemic Primary Carnitine Deficiency (example: Gallant_2017). These data do not allow any conclusion about variant significance. To our knowledge, no experimental evidence demonstrating an impact on protein function has been reported. The following publication has been ascertained in the context of this evaluation (PMID: 28711408). ClinVar contains an entry for this variant (Variation ID: 581072). Based on the evidence outlined above, the variant was classified as uncertain significance.

Literature cited by the submitters: PubMed 28711408 (cited by Labcorp Genetics (formerly Invitae), Labcorp and Women's Health and Genetics/Laboratory Corporation of America, LabCorp); PubMed 32778825 (cited by Labcorp Genetics (formerly Invitae), Labcorp); PubMed 41022664 (cited by Department of Genetics of Metabolic Diseases, Institute of Medical & Molecular Genetics, Hospital Universitario Hospital La Paz).

NM_003060.4(SLC22A5):c.447C>G (p.Phe149Leu)

Gene: SLC22A5 (solute carrier family 22 member 5; plus strand). Cytogenetic location: 5q31.1.
Variant type: single nucleotide variant.
Coding change: c.447C>G on transcript NM_003060.4 (MANE Select); coding-DNA position 447, C replaced by G.
Protein change: p.Phe149Leu; replaces phenylalanine 149 with leucine.
Molecular consequence: missense variant.
Genome position (GRCh38, 1-based): chr5:132,378,431, C>G. VCF-style: chr5-132378431-C-G. GRCh37 (hg19) VCF-style: chr5-131714123-C-G.
Other names: c.519C>G, p.Phe173Leu (NM_001308122.2); short protein forms F149L, F173L.
Identifiers: ClinVar variation 581072 (VCV000581072.7), dbSNP rs780989844, ClinGen allele CA3403889.
Genomic context (GRCh38, chr5:132,378,431, plus strand): 5'-CTTGCAGTGGAACCTGGTGTGTGAGGACGACTGGAAGGCCCCACTCACAATCTCCTTGTT[C>G]TTCGTGGGTGTGCTGTTGGGCTCCTTCATTTCAGGGCAGCTGTCAGACAGGTAAGGTGTC-3'
Protein context (NP_003051.1, residues 139-159): DWKAPLTISL[Phe149Leu]FVGVLLGSFI